The following is an entry in ClinVar:

ClinVar aggregate classification (germline): Uncertain significance (1 of 4 stars; one submission).

Conditions:
DICER1-related tumor predisposition. Also called: DICER1-related pleuropulmonary blastoma cancer predisposition syndrome; DICER1 syndrome. Identifiers: Orphanet 284343, MedGen C3839822, MONDO:0100216.

Submission:

Labcorp Genetics (formerly Invitae), Labcorp
Classification: Uncertain significance for DICER1-related tumor predisposition. Last evaluated: 2025-09-19. Review status: criteria provided, single submitter. Criteria: Invitae Variant Classification Sherloc (09022015). Collection method: clinical testing. Allele origin: germline.
Comment: This sequence change replaces valine, which is neutral and non-polar, with methionine, which is neutral and non-polar, at codon 1854 of the DICER1 protein (p.Val1854Met). This variant is not present in population databases (gnomAD no frequency). This variant has not been reported in the literature in individuals affected with DICER1-related conditions. Invitae Evidence Modeling of protein sequence and biophysical properties (such as structural, functional, and spatial information, amino acid conservation, physicochemical variation, residue mobility, and thermodynamic stability) indicates that this missense variant is not expected to disrupt DICER1 protein function with a negative predictive value of 95%. In summary, the available evidence is currently insufficient to determine the role of this variant in disease. Therefore, it has been classified as a Variant of Uncertain Significance.

NM_177438.3(DICER1):c.5560G>A (p.Val1854Met)

Gene: DICER1 (dicer 1, ribonuclease III; minus strand). Cytogenetic location: 14q32.13.
Variant type: single nucleotide variant.
Coding change: c.5560G>A on transcript NM_177438.3 (MANE Select); coding-DNA position 5560, G replaced by A.
Protein change: p.Val1854Met; replaces valine 1854 with methionine.
Molecular consequence: missense variant. On other transcripts: non-coding transcript variant (6), synonymous variant (1).
Genome position (GRCh38, 1-based): chr14:95,091,077, C>T on the plus strand (G>A on the coding strand, the complement: DICER1 is on the minus strand). VCF-style: chr14-95091077-C-T. GRCh37 (hg19) VCF-style: chr14-95557414-C-T.
Other names: c.5155G>A, p.Val1719Met (NM_001395688.1, NM_001395689.1, NM_001395690.1 and 1 more transcripts); c.4993G>A, p.Val1665Met (NM_001395691.1); c.3877G>A, p.Val1293Met (NM_001395697.1); c.5560G>A, p.Val1854Met (NM_030621.4, NM_001271282.3, NM_001291628.2 and 7 more transcripts); c.5278G>A, p.Val1760Met (NM_001395686.1); c.5397G>A, p.Leu1799= (NM_001195573.1); short protein forms V1760M, V1665M, V1719M, V1293M, V1854M.
Identifiers: ClinVar variation 4746832 (VCV004746832.1).